The following is an entry in ClinVar:

ClinVar aggregate classification (germline): Uncertain significance (1 of 4 stars; one submission).

Allele frequency attached by ClinVar (database versions not stated): TOPMed below 0.00001.

Submission:

Labcorp Genetics (formerly Invitae), Labcorp
Classification: Uncertain significance. Last evaluated: 2025-05-13. Review status: criteria provided, single submitter. Criteria: Invitae Variant Classification Sherloc (09022015). Collection method: clinical testing. Allele origin: germline.
Comment: This sequence change replaces leucine, which is neutral and non-polar, with proline, which is neutral and non-polar, at codon 207 of the FH protein (p.Leu207Pro). This variant is not present in population databases (gnomAD no frequency). This variant has not been reported in the literature in individuals affected with FH-related conditions. ClinVar contains an entry for this variant (Variation ID: 405908). Invitae Evidence Modeling of protein sequence and biophysical properties (such as structural, functional, and spatial information, amino acid conservation, physicochemical variation, residue mobility, and thermodynamic stability) indicates that this missense variant is expected to disrupt FH protein function with a positive predictive value of 95%. In summary, the available evidence is currently insufficient to determine the role of this variant in disease. Therefore, it has been classified as a Variant of Uncertain Significance.

NM_000143.4(FH):c.620T>C (p.Leu207Pro)

Gene: FH (fumarate hydratase; minus strand). Cytogenetic location: 1q43.
Variant type: single nucleotide variant.
Coding change: c.620T>C on transcript NM_000143.4 (MANE Select); coding-DNA position 620, T replaced by C.
Protein change: p.Leu207Pro; replaces leucine 207 with proline.
Molecular consequence: missense variant.
Genome position (GRCh38, 1-based): chr1:241,508,721, A>G on the plus strand (T>C on the coding strand, the complement: FH is on the minus strand). VCF-style: chr1-241508721-A-G. GRCh37 (hg19) VCF-style: chr1-241672021-A-G.
Other names: short protein forms L207P.
Identifiers: ClinVar variation 405908 (VCV000405908.9), dbSNP rs1060500894, ClinGen allele CA16610111.